The following is an entry in ClinVar:

ClinVar aggregate classification (germline): Conflicting classifications of pathogenicity. Review status: criteria provided, conflicting classifications (1 of 4 stars). 7 submissions from 7 submitters: Uncertain significance (5); Likely benign (1). 1 of the submissions does not count toward it. Last evaluated 2026-09-17.

Conditions:
USH2A-related disorder. Also called: USH2A-related condition; USH2A-related disorders. Identifiers: MedGen CN239332.
Usher syndrome type 2A. Also called: USHER SYNDROME, TYPE IIA; RETINAL DISEASE IN USHER SYNDROME TYPE IIA, MODIFIER OF. Identifiers: Orphanet 231178, Orphanet 886, MedGen C1848634, MONDO:0010169, OMIM 276901.
Inborn genetic diseases. Identifiers: MedGen C0950123, MeSH D030342.

Allele frequency attached by ClinVar (database versions not stated): gnomAD 0.00001; gnomAD exomes 0.00004 and 0.00007; TOPMed 0.00004; ESP Exome Variant Server 0.00008; ExAC 0.00011.
gnomAD v4.1: 68 of 1,613,994 alleles (0.0042%); highest among the groups gnomAD compares: Middle Eastern, 0.049%; no homozygotes.

Submissions (7):

PreventionGenetics, part of Exact Sciences
Classification: Uncertain significance for USH2A-related condition. Last evaluated: 2026-09-17. Review status: criteria provided, single submitter. Criteria: ACMG Guidelines, 2015. Collection method: clinical testing. Allele origin: germline.
Comment: The USH2A c.12625G>A variant is predicted to result in the amino acid substitution p.Glu4209Lys. To our knowledge, this variant has not been reported in the literature. This variant is present in 0.012% of alleles in individuals of European (Non-Finnish) descent in gnomAD. At this time, the clinical significance of this variant is uncertain due to the absence of conclusive functional and genetic evidence.

Labcorp Genetics (formerly Invitae), Labcorp
Classification: Likely benign. Last evaluated: 2026-01-20. Review status: criteria provided, single submitter. Criteria: Invitae Variant Classification Sherloc (09022015). Collection method: clinical testing. Allele origin: germline.

Ambry Genetics
Classification: Uncertain significance for Inborn genetic diseases. Last evaluated: 2025-09-10. Review status: criteria provided, single submitter. Criteria: Ambry Variant Classification Scheme 2023. Collection method: clinical testing. Allele origin: germline.

Blueprint Genetics
Classification: Uncertain significance. Last evaluated: 2024-09-20. Review status: criteria provided, single submitter. Criteria: ACMG Guidelines, 2015. Collection method: clinical testing. Allele origin: germline.

GeneDx
Classification: Uncertain significance. Last evaluated: 2022-04-15. Review status: criteria provided, single submitter. Criteria: GeneDx Variant Classification Process June 2021. Collection method: clinical testing. Allele origin: germline. Affected: yes.
Comment: In silico analysis supports that this missense variant does not alter protein structure/function; Has not been previously published as pathogenic or benign to our knowledge

Laboratory for Molecular Medicine, Mass General Brigham Personalized Medicine
Classification: Uncertain significance. Last evaluated: 2016-10-06. Review status: criteria provided, single submitter. Criteria: LMM Criteria. Collection method: clinical testing. Allele origin: germline. Observed: 1 variant allele.
Comment: Variant classified as Uncertain Significance - Favor Benign. The p.Glu4209Lys va riant in USH2A has not been previously reported in individuals with hearing loss or Usher syndrome. It has been identified in 12/66294 European chromosomes by the Exome Aggregation Consortium (ExAC; dbSNP rs 141943290); however, this frequency is not high enough to rule out a pathogenic role. The glutamic acid residue (Glu) at position 4209 is not conserved across species, with two mammals (prairie vole and golden hamster) having a lysine (Lys ) at this position. Additional computational predictions suggest that this varia nt may not impact the protein. In summary, while the clinical significance of th is variant is uncertain, these data suggest that it is more likely to be benign.

Natera, Inc.
Classification: Uncertain significance for Usher syndrome type 2A. Last evaluated: 2019-11-11. Review status: no assertion criteria provided. Collection method: clinical testing. Allele origin: germline. Not counted in ClinVar's aggregate classification.

NM_206933.4(USH2A):c.12625G>A (p.Glu4209Lys)

Gene: USH2A (usherin; minus strand). Cytogenetic location: 1q41.
Variant type: single nucleotide variant.
Coding change: c.12625G>A on transcript NM_206933.4 (MANE Select); coding-DNA position 12625, G replaced by A.
Protein change: p.Glu4209Lys; replaces glutamic acid 4209 with lysine.
Molecular consequence: missense variant.
Genome position (GRCh38, 1-based): chr1:215,675,286, C>T on the plus strand (G>A on the coding strand, the complement: USH2A is on the minus strand). VCF-style: chr1-215675286-C-T. GRCh37 (hg19) VCF-style: chr1-215848628-C-T.
Other names: short protein forms E4209K.
Identifiers: ClinVar variation 504700 (VCV000504700.21), dbSNP rs141943290, ClinGen allele CA1393434.